The following is an entry in ClinVar:

NM_000288.4(PEX7):c.34_35insGTCCGGATGC (p.Leu12fs)

Gene: PEX7 (peroxisomal biogenesis factor 7; plus strand). Cytogenetic location: 6q23.3.
Variant type: Insertion.
Coding change: c.34_35insGTCCGGATGC on transcript NM_000288.4 (MANE Select); coding-DNA positions 34 to 35, GTCCGGATGC inserted.
Protein change: p.Leu12fs; shifts the reading frame from leucine 12.
Molecular consequence: frameshift variant.
Genome position: GRCh38 VCF-style: chr6-136822692-G-GCGGATGCGTC. GRCh37 (hg19) VCF-style: chr6-137143830-G-GCGGATGCGTC.
Other names: short protein forms L12fs.
Identifiers: ClinVar variation 5014206 (VCV005014206.1).
Genomic context (GRCh38, chr6:136,822,692, plus strand): 5'-GCCGGGGCAGCGAGGGCCGGGGGCGGCGGGCGGGATGAGTGCGGTGTGCGGTGGAGCGGC[G>GCGGATGCGTC]CGGATGCTGCGGACGCCGGGACGCCACGGCTACGCCGCCGAGTTCTCCCCGTACCTGCCG-3'

ClinVar aggregate classification (germline): Pathogenic (1 of 4 stars; one submission).

Conditions:
Peroxisome biogenesis disorder. Identifiers: Orphanet 79189, MedGen C1832200, MONDO:0019234. Disease mechanism: loss of function.

Submission:

Myriad Genetics, Inc.
Classification: Pathogenic for Peroxisome biogenesis disorder. Last evaluated: 2025-03-12. Review status: criteria provided, single submitter. Criteria: Myriad Autosomal Dominant, Autosomal Recessive and X-Linked Classification Criteria (2023). Collection method: clinical testing. Allele origin: unknown.
Comment: NM_000288.3(PEX7):c.34_35ins10(L12Rfs*47) is expected to be pathogenic in the context of PEX7-related disorders. This variant is predicted to lead to an abnormal or absent protein product due to the creation of a premature termination codon in PEX7, a gene where loss-of-function variants are known to be pathogenic. Please note: this variant was assessed in the context of healthy population screening.